The following is an entry in ClinVar:

NM_000256.3(MYBPC3):c.3502G>C (p.Glu1168Gln)

Gene: MYBPC3 (myosin binding protein C3; minus strand). Cytogenetic location: 11p11.2.
Variant type: single nucleotide variant.
Coding change: c.3502G>C on transcript NM_000256.3 (MANE Select); coding-DNA position 3502, G replaced by C.
Protein change: p.Glu1168Gln; replaces glutamic acid 1168 with glutamine.
Molecular consequence: missense variant.
Genome position (GRCh38, 1-based): chr11:47,332,691, C>G on the plus strand (G>C on the coding strand, the complement: MYBPC3 is on the minus strand). VCF-style: chr11-47332691-C-G. GRCh37 (hg19) VCF-style: chr11-47354242-C-G.
Other names: short protein forms E1168Q.
Identifiers: ClinVar variation 4855644 (VCV004855644.1).

ClinVar aggregate classification (germline): Uncertain significance (1 of 4 stars; one submission).

Conditions:
Hypertrophic cardiomyopathy 4. Also called: Familial hypertrophic cardiomyopathy 4. Identifiers: MedGen C1861862, MONDO:0007268, OMIM 115197.

Submission:

3billion
Classification: Uncertain significance for Hypertrophic cardiomyopathy 4. Last evaluated: 2025-08-01. Review status: criteria provided, single submitter. Criteria: ACMG Guidelines, 2015. Collection method: clinical testing. Allele origin: germline. Affected: yes.
Comment: The variant is not observed in the gnomAD v4.1.0 dataset. Predicted Consequence/Location: Missense variant In silico tools predict the variant to alter splicing and produce an abnormal transcript [SpliceAI: 0.56 (>=0.2, moderate evidence for spliceogenicity)]. Different missense changes at the same codon have been reported as of uncertain significance (ClinVar ID: VCV003387090). Therefore, this variant is classified as VUS according to the recommendation of ACMG/AMP guideline.